The following is an entry in ClinVar:

ClinVar aggregate classification (germline): Benign/Likely benign. Review status: criteria provided, multiple submitters, no conflicts (2 of 4 stars). 3 submissions from 3 submitters: Benign (1); Likely benign (2). Last evaluated 2024-11-06.

Conditions:
Koolen-de Vries syndrome (KDVS). Identifiers: Orphanet 96169, MedGen C1864871, MONDO:0012496, OMIM 610443.

Allele frequency attached by ClinVar (database versions not stated): TOPMed 0.00011; ESP Exome Variant Server 0.00023; 1000 Genomes Project 30x 0.00047; 1000 Genomes Project 0.00060; ExAC 0.00073; gnomAD 0.00077 and 0.00080; gnomAD exomes 0.00080.
gnomAD v4.1: 690 of 1,614,148 alleles (0.043%); highest among the groups gnomAD compares: Non-Finnish European, 0.015%; 3 homozygotes.

Submissions (3):

Blueprint Genetics
Classification: Likely benign. Last evaluated: 2024-11-06. Review status: criteria provided, single submitter. Criteria: ACMG Guidelines, 2015. Collection method: clinical testing. Allele origin: germline.

Labcorp Genetics (formerly Invitae), Labcorp
Classification: Benign for Koolen-de Vries syndrome. Last evaluated: 2024-08-19. Review status: criteria provided, single submitter. Criteria: Invitae Variant Classification Sherloc (09022015). Collection method: clinical testing. Allele origin: germline.

CeGaT Center for Human Genetics Tuebingen
Classification: Likely benign. Last evaluated: 2024-08-01. Review status: criteria provided, single submitter. Criteria: CeGaT Center For Human Genetics Tuebingen Variant Classification Criteria Version 2. Collection method: clinical testing. Allele origin: germline. Affected: yes. Observed: 2 variant alleles.
Comment: KANSL1: BP4, BS1

NM_015443.4(KANSL1):c.800A>G (p.Lys267Arg)

Gene: KANSL1 (KAT8 regulatory NSL complex subunit 1). Cytogenetic location: 17q21.31.
Variant type: single nucleotide variant.
Coding change: c.800A>G on transcript NM_015443.4 (MANE Select); coding-DNA position 800, A replaced by G.
Protein change: p.Lys267Arg; replaces lysine 267 with arginine.
Molecular consequence: missense variant.
Genome position (GRCh38, 1-based): chr17:46,171,344, T>C on the plus strand (A>G on the coding strand, the complement: KANSL1 is on the minus strand). VCF-style: chr17-46171344-T-C. GRCh37 (hg19) VCF-style: chr17-44248710-T-C.
Other names: c.800A>G, p.Lys267Arg (NM_001193465.2, NM_001193466.2, NM_001379198.1); short protein forms K267R.
Identifiers: ClinVar variation 205777 (VCV000205777.36), dbSNP rs140181991, ClinGen allele CA315180.